The following is an entry in ClinVar:

ClinVar aggregate classification (germline): Uncertain significance (1 of 4 stars; one submission).

Conditions:
Cardiovascular phenotype. Identifiers: MedGen CN230736.

gnomAD v4.1: 1 of 1,613,226 alleles (0.000062%); highest among the groups gnomAD compares: Non-Finnish European, 0.000085%; no homozygotes.

Submission:

Ambry Genetics
Classification: Uncertain significance for Cardiovascular phenotype. Last evaluated: 2020-03-02. Review status: criteria provided, single submitter. Criteria: Ambry Variant Classification Scheme 2023. Collection method: clinical testing. Allele origin: germline.
Comment: The p.D13249N variant (also known as c.39745G>A), located in coding exon 144 of the TTN gene, results from a G to A substitution at nucleotide position 39745. The aspartic acid at codon 13249 is replaced by asparagine, an amino acid with highly similar properties. This amino acid position is not well conserved in available vertebrate species. In addition, this alteration is predicted to be tolerated by in silico analysis. Since supporting evidence is limited at this time, the clinical significance of this alteration remains unclear.

NM_001267550.2(TTN):c.66940G>A (p.Asp22314Asn)

Genes: TTN (titin; minus strand), TTN-AS1 (TTN antisense RNA 1; plus strand). Cytogenetic location: 2q31.2.
Variant type: single nucleotide variant.
Coding change: c.66940G>A on transcript NM_001267550.2 (MANE Select); coding-DNA position 66940, G replaced by A.
Protein change: p.Asp22314Asn; replaces aspartic acid 22314 with asparagine.
Molecular consequence: missense variant.
Genome position (GRCh38, 1-based): chr2:178,580,439, C>T on the plus strand (G>A on the coding strand, the complement: TTN is on the minus strand). VCF-style: chr2-178580439-C-T. GRCh37 (hg19) VCF-style: chr2-179445166-C-T.
Other names: c.62017G>A, p.Asp20673Asn (NM_001256850.1); c.39745G>A, p.Asp13249Asn (NM_003319.4); c.59236G>A, p.Asp19746Asn (NM_133378.4); c.40120G>A, p.Asp13374Asn (NM_133432.3); c.40321G>A, p.Asp13441Asn (NM_133437.4); short protein forms D19746N, D20673N, D13249N, D13374N, D22314N, D13441N.
Identifiers: ClinVar variation 1736634 (VCV001736634.2), dbSNP rs768380109, ClinGen allele CA1991401.